The following is an entry in ClinVar:

ClinVar aggregate classification (germline): Likely benign (1 of 4 stars; one submission).

Conditions:
EPHX1-related disorder. Also called: EPHX1-related condition.

Submission:

PreventionGenetics, part of Exact Sciences
Classification: Likely benign for EPHX1-related condition. Last evaluated: 2026-06-11. Review status: criteria provided, single submitter. Criteria: ACMG Guidelines, 2015. Collection method: clinical testing. Allele origin: germline.
Comment: This variant is classified as likely benign based on ACMG/AMP sequence variant interpretation guidelines (Richards et al. 2015 PMID: 25741868, with internal and published modifications).

NM_001136018.4(EPHX1):c.1023G>A (p.Glu341=)

Genes: EPHX1 (epoxide hydrolase 1; plus strand), TMEM63A (transmembrane protein 63A; minus strand). Cytogenetic location: 1q42.12.
Variant type: single nucleotide variant.
Coding change: c.1023G>A on transcript NM_001136018.4 (MANE Select); coding-DNA position 1023, G replaced by A.
Protein change: p.Glu341=; no amino-acid change (glutamic acid 341 retained).
Molecular consequence: synonymous variant. On other transcripts: non-coding transcript variant (3).
Genome position (GRCh38, 1-based): chr1:225,842,457, G>A. VCF-style: chr1-225842457-G-A. GRCh37 (hg19) VCF-style: chr1-226030158-G-A.
Other names: c.1023G>A, p.Glu341= (NM_000120.4, NM_001291163.2, NM_001378426.1 and 1 more transcripts); c.996G>A, p.Glu332= (NM_001378428.1); c.975G>A, p.Glu325= (NM_001378429.1, NM_001378430.1); c.795G>A, p.Glu265= (NM_001378431.1); c.456G>A, p.Glu152= (NM_001378432.1).
Identifiers: ClinVar variation 4987461 (VCV004987461.1).